The following is an entry in ClinVar:

NC_000005.9:g.(?_161495006)_(161531052_?)del

Gene: GABRG2 (gamma-aminobutyric acid type A receptor subunit gamma2; plus strand). Cytogenetic location: 5q34.
Variant type: Deletion.
Identifiers: ClinVar variation 1460405 (VCV001460405.6).

ClinVar aggregate classification (germline): Pathogenic (1 of 4 stars; one submission).

Conditions:
EPILEPSY, CHILDHOOD ABSENCE, SUSCEPTIBILITY TO, 2 (ECA2). Identifiers: Orphanet 64280, MedGen C1843244, OMIM 607681.
Febrile seizures, familial, 8 (FEB8). Also called: CONVULSIONS, FAMILIAL FEBRILE, 8. Identifiers: Orphanet 36387, MedGen C1969810, MONDO:0011891, OMIM 607681.

Submission:

Labcorp Genetics (formerly Invitae), Labcorp
Classification: Pathogenic for Febrile seizures, familial, 8; EPILEPSY, CHILDHOOD ABSENCE, SUSCEPTIBILITY TO, 2. Last evaluated: 2022-12-17. Review status: criteria provided, single submitter. Criteria: Invitae Variant Classification Sherloc (09022015). Collection method: clinical testing. Allele origin: germline.
Comment: For these reasons, this variant has been classified as Pathogenic. This variant has not been reported in the literature in individuals affected with GABRG2-related conditions. This variant is a gross deletion of the genomic region encompassing exon(s) 1-6 of the GABRG2 gene, which includes the initiator codon. This deletion extends beyond the assayed region for this gene and therefore may encompass additional genes. It is expected to result in an absent or disrupted protein product. Loss-of-function variants in GABRG2 are known to be pathogenic (PMID: 22539854, 22750526, 24407264).

Literature cited by the submitters: PubMed 22539854; PubMed 22750526; PubMed 24407264.